The following is an entry in ClinVar:

NM_033225.6(CSMD1):c.1581T>C (p.Cys527=)

Gene: CSMD1 (CUB and Sushi multiple domains 1; minus strand). Cytogenetic location: 8p23.2.
Variant type: single nucleotide variant.
Coding change: c.1581T>C on transcript NM_033225.6 (MANE Select); coding-DNA position 1581, T replaced by C.
Protein change: p.Cys527=; no amino-acid change (cysteine 527 retained).
Molecular consequence: synonymous variant.
Genome position (GRCh38, 1-based): chr8:3,409,586, A>G on the plus strand (T>C on the coding strand, the complement: CSMD1 is on the minus strand). VCF-style: chr8-3409586-A-G. GRCh37 (hg19) VCF-style: chr8-3267108-A-G.
Identifiers: ClinVar variation 781658 (VCV000781658.28), dbSNP rs190257069, ClinGen allele CA4608750.

ClinVar aggregate classification (germline): Likely benign. Review status: criteria provided, multiple submitters, no conflicts (2 of 4 stars). 2 submissions from 2 submitters: Likely benign (2). Last evaluated 2023-03-01.

Allele frequency attached by ClinVar (database versions not stated): 1000 Genomes Project 0.00060; 1000 Genomes Project 30x 0.00078; gnomAD exomes 0.00100 and 0.00219; TOPMed 0.00102; gnomAD 0.00113; ExAC 0.00115; ESP Exome Variant Server 0.00152.
gnomAD v4.1: 3,250 of 1,595,858 alleles (0.2%); highest among the groups gnomAD compares: Non-Finnish European, 0.27%; 3 homozygotes.

Submissions (2):

CeGaT Center for Human Genetics Tuebingen
Classification: Likely benign. Last evaluated: 2023-03-01. Review status: criteria provided, single submitter. Criteria: CeGaT Center For Human Genetics Tuebingen Variant Classification Criteria Version 2. Collection method: clinical testing. Allele origin: germline. Affected: yes. Observed: 1 variant allele.
Comment: CSMD1: BP4, BP7

Labcorp Genetics (formerly Invitae), Labcorp
Classification: Likely benign. Last evaluated: 2019-12-31. Review status: criteria provided, single submitter. Criteria: Invitae Variant Classification Sherloc (09022015). Collection method: clinical testing. Allele origin: germline.